The following is an entry in ClinVar:

ClinVar aggregate classification (germline): Likely benign. Review status: criteria provided, multiple submitters, no conflicts (2 of 4 stars). 3 submissions from 3 submitters: Likely benign (3). Last evaluated 2023-12-01.

Allele frequency attached by ClinVar (database versions not stated): gnomAD 0.00002; gnomAD exomes 0.00004; ExAC 0.00008.
gnomAD v4.1: 66 of 1,613,992 alleles (0.0041%); highest among the groups gnomAD compares: South Asian, 0.021%; no homozygotes.

Submissions (3):

CeGaT Center for Human Genetics Tuebingen
Classification: Likely benign. Last evaluated: 2023-12-01. Review status: criteria provided, single submitter. Criteria: CeGaT Center For Human Genetics Tuebingen Variant Classification Criteria Version 2. Collection method: clinical testing. Allele origin: germline. Affected: yes. Observed: 3 variant alleles.
Comment: LAMA1: BP4, BP7

Blueprint Genetics
Classification: Likely benign. Last evaluated: 2023-04-24. Review status: criteria provided, single submitter. Criteria: ACMG Guidelines, 2015. Collection method: clinical testing. Allele origin: germline.

Labcorp Genetics (formerly Invitae), Labcorp
Classification: Likely benign. Last evaluated: 2023-01-16. Review status: criteria provided, single submitter. Criteria: Invitae Variant Classification Sherloc (09022015). Collection method: clinical testing. Allele origin: germline.

NM_005559.4(LAMA1):c.627C>T (p.Asp209=)

Gene: LAMA1 (laminin subunit alpha 1; minus strand). Cytogenetic location: 18p11.31.
Variant type: single nucleotide variant.
Coding change: c.627C>T on transcript NM_005559.4 (MANE Select); coding-DNA position 627, C replaced by T.
Protein change: p.Asp209=; no amino-acid change (aspartic acid 209 retained).
Molecular consequence: synonymous variant.
Genome position (GRCh38, 1-based): chr18:7,049,219, G>A on the plus strand (C>T on the coding strand, the complement: LAMA1 is on the minus strand). VCF-style: chr18-7049219-G-A. GRCh37 (hg19) VCF-style: chr18-7049218-G-A.
Identifiers: ClinVar variation 2648553 (VCV002648553.28), dbSNP rs750211398, ClinGen allele CA8883234.